The following is an entry in ClinVar:

ClinVar aggregate classification (germline): Uncertain significance. Review status: criteria provided, multiple submitters, no conflicts (2 of 4 stars). 2 submissions from 2 submitters: Uncertain significance (2). Last evaluated 2026-03-22.

Conditions:
Neurofibromatosis, type 1 (NF1). Also called: VON RECKLINGHAUSEN DISEASE; Peripheral type neurofibromatosis; Neurofibromatosis, type I; NEUROFIBROMATOSIS, TYPE I, SOMATIC. Identifiers: Orphanet 636, MedGen C0027831, MONDO:0018975, OMIM 162200. Disease mechanism: loss of function.

Submissions (2):

GeneDx
Classification: Uncertain significance. Last evaluated: 2026-03-22. Review status: criteria provided, single submitter. Criteria: GeneDx Variant Classification Process June 2021. Collection method: clinical testing. Allele origin: germline.
Comment: In-frame duplication of 2 amino acids in a non-repeat region; Not observed at significant frequency in large population cohorts (gnomAD); Has not been previously published as pathogenic or benign to our knowledge; This variant is associated with the following publications: (PMID: 25486365)

Labcorp Genetics (formerly Invitae), Labcorp
Classification: Uncertain significance for Neurofibromatosis, type 1. Last evaluated: 2020-08-23. Review status: criteria provided, single submitter. Criteria: Invitae Variant Classification Sherloc (09022015). Collection method: clinical testing. Allele origin: germline.
Comment: This variant, c.2075_2080dup, results in the insertion of 2 amino acid(s) to the NF1 protein (p.Tyr692_Met693dup), but otherwise preserves the integrity of the reading frame. This variant is not present in population databases (ExAC no frequency). This variant has not been reported in the literature in individuals with NF1-related conditions. Experimental studies and prediction algorithms are not available or were not evaluated, and the functional significance of this variant is currently unknown. In summary, the available evidence is currently insufficient to determine the role of this variant in disease. Therefore, it has been classified as a Variant of Uncertain Significance.

NM_001042492.3(NF1):c.2075_2080dup (p.Met693_Phe694insTyrMet)

Gene: NF1 (neurofibromin 1; plus strand). Cytogenetic location: 17q11.2.
Variant type: Duplication.
Coding change: c.2075_2080dup on transcript NM_001042492.3 (MANE Select); coding-DNA positions 2075 to 2080, 6 bases duplicated (ACATGT; older notation c.2075_2080dupACATGT).
Protein change: p.Met693_Phe694insTyrMet.
Molecular consequence: inframe insertion. On other transcripts: inframe indel (1).
Genome position (GRCh38, 1-based): chr17:31,226,508-31,226,513, ACATGT duplicated; duplicating any 6 consecutive bases within chr17:31,226,505-31,226,513 gives the same sequence; the c. name uses the placement nearest the transcript's 3' end. VCF-style (leftmost placement, unchanged base first): chr17-31226504-C-CTGTACA. GRCh37 (hg19) VCF-style: chr17-29553522-C-CTGTACA.
Other names: c.2075_2080dup, p.Met693_Phe694insTyrMet (NM_000267.4).
Identifiers: ClinVar variation 1024366 (VCV001024366.2), dbSNP rs2067017065, ClinGen allele CA2255564523.